The following is an entry in ClinVar:

NM_006904.7(PRKDC):c.6025A>G (p.Lys2009Glu)

Gene: PRKDC (protein kinase, DNA-activated, catalytic subunit; minus strand). Cytogenetic location: 8q11.21.
Variant type: single nucleotide variant.
Coding change: c.6025A>G on transcript NM_006904.7 (MANE Select); coding-DNA position 6025, A replaced by G.
Protein change: p.Lys2009Glu; replaces lysine 2009 with glutamic acid.
Molecular consequence: missense variant.
Genome position (GRCh38, 1-based): chr8:47,860,932, T>C on the plus strand (A>G on the coding strand, the complement: PRKDC is on the minus strand). VCF-style: chr8-47860932-T-C. GRCh37 (hg19) VCF-style: chr8-48773493-T-C.
Other names: c.6025A>G, p.Lys2009Glu (NM_001081640.2); short protein forms K2009E.
Identifiers: ClinVar variation 2626341 (VCV002626341.2), dbSNP rs1589749318, ClinGen allele CA371161528.

ClinVar aggregate classification (germline): Uncertain significance (1 of 4 stars; one submission).

Submission:

Ambry Genetics
Classification: Uncertain significance. Last evaluated: 2023-07-23. Review status: criteria provided, single submitter. Criteria: Ambry Variant Classification Scheme 2023. Collection method: clinical testing. Allele origin: germline.
Comment: The p.K2009E variant (also known as c.6025A>G), located in coding exon 45 of the PRKDC gene, results from an A to G substitution at nucleotide position 6025. The lysine at codon 2009 is replaced by glutamic acid, an amino acid with similar properties. This amino acid position is conserved. In addition, this alteration is predicted to be tolerated by in silico analysis. Since supporting evidence is limited at this time, the clinical significance of this alteration remains unclear.